The following is an entry in ClinVar:

ClinVar aggregate classification (germline): not provided (0 of 4 stars; one submission).

Conditions:
Familial long QT syndrome (RWS). Also called: Congenital long QT syndrome; Romano-Ward syndrome; VENTRICULAR FIBRILLATION WITH PROLONGED QT INTERVAL. Identifiers: Orphanet 768, MedGen C1141890, MONDO:0019171.

Submission:

Cardiovascular Biomedical Research Unit, Royal Brompton & Harefield NHS Foundation Trust
No classification provided. Condition: Familial long QT syndrome. Review status: no classification provided. Collection method: literature only. Allele origin: germline.
Comment: This variant has been reported as associated with Long QT syndrome in the following publications (PMID:19926013). This is a literature report, and does not necessarily reflect the clinical interpretation of the Imperial College / Royal Brompton Cardiovascular Genetics laboratory.

Literature cited by the submitters: PubMed 19926013; PubMed 22581653.

NM_000238.4(KCNH2):c.1785A>T (p.Lys595Asn)

Gene: KCNH2 (potassium voltage-gated channel subfamily H member 2; minus strand). Cytogenetic location: 7q36.1.
Variant type: single nucleotide variant.
Coding change: c.1785A>T on transcript NM_000238.4 (MANE Select); coding-DNA position 1785, A replaced by T.
Protein change: p.Lys595Asn; replaces lysine 595 with asparagine.
Molecular consequence: missense variant.
Genome position (GRCh38, 1-based): chr7:150,951,608, T>A on the plus strand (A>T on the coding strand, the complement: KCNH2 is on the minus strand). VCF-style: chr7-150951608-T-A. GRCh37 (hg19) VCF-style: chr7-150648696-T-A.
Other names: c.1785A>T (LRG_288t1); c.765A>T, p.Lys255Asn (NM_001204798.2, NM_172057.3); c.1497A>T, p.Lys499Asn (NM_001406753.1, NM_001406756.1); c.1608A>T, p.Lys536Asn (NM_001406755.1); c.1485A>T, p.Lys495Asn (NM_001406757.1); c.1785A>T, p.Lys595Asn (NM_172056.3); short protein forms K255N, K595N, K499N, K536N, K495N.
Identifiers: ClinVar variation 67273 (VCV000067273.3), dbSNP rs199473521, ClinGen allele CA005481.